The following is an entry in ClinVar:

NM_017763.6(RNF43):c.605T>C (p.Leu202Pro)

Gene: RNF43 (ring finger protein 43; minus strand). Cytogenetic location: 17q22.
Variant type: single nucleotide variant.
Coding change: c.605T>C on transcript NM_017763.6 (MANE Select); coding-DNA position 605, T replaced by C.
Protein change: p.Leu202Pro; replaces leucine 202 with proline.
Molecular consequence: missense variant.
Genome position (GRCh38, 1-based): chr17:58,362,626, A>G on the plus strand (T>C on the coding strand, the complement: RNF43 is on the minus strand). VCF-style: chr17-58362626-A-G. GRCh37 (hg19) VCF-style: chr17-56439987-A-G.
Other names: c.605T>C, p.Leu202Pro (NM_001305544.3); c.224T>C, p.Leu75Pro (NM_001305545.2); short protein forms L202P, L75P.
Identifiers: ClinVar variation 3343131 (VCV003343131.2).
Genomic context (GRCh38, chr17:58,362,626, plus strand): 5'-CACCGGATGCGCAGCACCGAAGCCAGGATGATCACAAAGATGGTGCCCACCACTGTCATT[A>G]GGATCCACACATCATAATCTGGCTGGGGAGTGAGCAGAGAGGGAAAGGGTCATACTTCCG-3'
Protein context (NP_060233.3, residues 192-212): PAWPDYDVWI[Leu202Pro]MTVVGTIFVI

ClinVar aggregate classification (germline): Uncertain significance. Review status: criteria provided, multiple submitters, no conflicts (2 of 4 stars). 2 submissions from 2 submitters: Uncertain significance (2). Last evaluated 2025-01-20.

gnomAD v4.1: 2 of 1,611,860 alleles (0.00012%); highest among the groups gnomAD compares: Admixed American, 0.0017%; no homozygotes.

Submissions (2):

Ambry Genetics
Classification: Uncertain significance. Last evaluated: 2025-01-20. Review status: criteria provided, single submitter. Criteria: Ambry Variant Classification Scheme 2023. Collection method: clinical testing. Allele origin: germline.
Comment: The p.L202P variant (also known as c.605T>C), located in coding exon 5 of the RNF43 gene, results from a T to C substitution at nucleotide position 605. The leucine at codon 202 is replaced by proline, an amino acid with similar properties. This amino acid position is conserved. In addition, the in silico prediction for this alteration is inconclusive. Based on the available evidence, the clinical significance of this variant remains unclear.

GeneDx
Classification: Uncertain significance. Last evaluated: 2023-04-18. Review status: criteria provided, single submitter. Criteria: GeneDx Variant Classification Process June 2021. Collection method: clinical testing. Allele origin: germline. Affected: yes.
Comment: Not observed at significant frequency in large population cohorts (gnomAD); In silico analysis supports that this missense variant has a deleterious effect on protein structure/function; Has not been previously published as pathogenic or benign to our knowledge; Variants in candidate genes are classified as variants of uncertain significance in accordance with ACMG guidelines (Richards et al., 2015)